The following is an entry in ClinVar:

NM_001999.4(FBN2):c.6254C>G (p.Pro2085Arg)

Gene: FBN2 (fibrillin 2; minus strand). Cytogenetic location: 5q23.3.
Variant type: single nucleotide variant.
Coding change: c.6254C>G on transcript NM_001999.4 (MANE Select); coding-DNA position 6254, C replaced by G.
Protein change: p.Pro2085Arg; replaces proline 2085 with arginine.
Molecular consequence: missense variant.
Genome position (GRCh38, 1-based): chr5:128,291,567, G>C on the plus strand (C>G on the coding strand, the complement: FBN2 is on the minus strand). VCF-style: chr5-128291567-G-C. GRCh37 (hg19) VCF-style: chr5-127627259-G-C.
Other names: short protein forms P2085R.
Identifiers: ClinVar variation 1479065 (VCV001479065.8), dbSNP rs2126822046, ClinGen allele CA360764367.

ClinVar aggregate classification (germline): Uncertain significance (1 of 4 stars; one submission).

Conditions:
Congenital contractural arachnodactyly (CCA). Also called: Arthrogryposis, distal, type 9; BEALS SYNDROME; Beals-Hecht syndrome. Identifiers: Orphanet 115, MedGen C0220668, MONDO:0007363, OMIM 121050.

Allele frequency attached by ClinVar (database versions not stated): gnomAD exomes below 0.00001.
gnomAD v4.1: 1 of 1,613,750 alleles (0.000062%); highest among the groups gnomAD compares: Non-Finnish European, 0.000085%; no homozygotes.

Submission:

Labcorp Genetics (formerly Invitae), Labcorp
Classification: Uncertain significance for Congenital contractural arachnodactyly. Last evaluated: 2021-06-18. Review status: criteria provided, single submitter. Criteria: Invitae Variant Classification Sherloc (09022015). Collection method: clinical testing. Allele origin: germline.
Comment: This variant is not present in population databases (ExAC no frequency). This variant has not been reported in the literature in individuals with FBN2-related conditions. Advanced modeling of protein sequence and biophysical properties (such as structural, functional, and spatial information, amino acid conservation, physicochemical variation, residue mobility, and thermodynamic stability) performed at Invitae indicates that this missense variant is not expected to disrupt FBN2 protein function. In summary, the available evidence is currently insufficient to determine the role of this variant in disease. Therefore, it has been classified as a Variant of Uncertain Significance. This sequence change replaces proline with arginine at codon 2085 of the FBN2 protein (p.Pro2085Arg). The proline residue is highly conserved and there is a moderate physicochemical difference between proline and arginine.